The following is an entry in ClinVar:

ClinVar aggregate classification (germline): Uncertain significance (1 of 4 stars; one submission).

Conditions:
Primary ciliary dyskinesia 32. Also called: CILIARY DYSKINESIA, PRIMARY, 32, WITHOUT SITUS INVERSUS. Identifiers: Orphanet 244, MedGen C4225311, MONDO:0014657, OMIM 616481.

Submission:

Labcorp Genetics (formerly Invitae), Labcorp
Classification: Uncertain significance for Primary ciliary dyskinesia 32. Last evaluated: 2021-11-11. Review status: criteria provided, single submitter. Criteria: Invitae Variant Classification Sherloc (09022015). Collection method: clinical testing. Allele origin: germline.
Comment: In summary, the available evidence is currently insufficient to determine the role of this variant in disease. Therefore, it has been classified as a Variant of Uncertain Significance. Experimental studies and prediction algorithms are not available or were not evaluated, and the functional significance of this variant is currently unknown. This premature translational stop signal has been observed in individual(s) with clinical features of primary ciliary dyskinesia (Invitae). This variant is not present in population databases (gnomAD no frequency). This sequence change creates a premature translational stop signal (p.Thr445Asnfs*5) in the RSPH3 gene. While this is not anticipated to result in nonsense mediated decay, it is expected to disrupt the last 116 amino acid(s) of the RSPH3 protein.

NM_031924.8(RSPH3):c.907dup (p.Thr303fs)

Gene: RSPH3 (radial spoke head 3; minus strand). Cytogenetic location: 6q25.3.
Variant type: Duplication.
Coding change: c.907dup on transcript NM_031924.8 (MANE Select); coding-DNA position 907, one base duplicated (A; older notation c.907dupA).
Protein change: p.Thr303fs; shifts the reading frame from threonine 303.
Molecular consequence: frameshift variant. On other transcripts: non-coding transcript variant (1).
Genome position (GRCh38, 1-based): chr6:158,978,299, T duplicated on the plus strand (A on the coding strand, the reverse complement: RSPH3 is on the minus strand); the first of 6 consecutive T bases (chr6:158,978,299-158,978,304); duplicating any one gives the same sequence. VCF-style (leftmost placement, unchanged base first): chr6-158978298-G-GT. GRCh37 (hg19) VCF-style: chr6-159399330-G-GT.
Other names: c.1045dup, p.Thr349fs (NM_001346418.1); short protein forms T349fs, T303fs.
Identifiers: ClinVar variation 1439522 (VCV001439522.6), dbSNP rs2128605420, ClinGen allele CA645556049.